The following is an entry in ClinVar:

NM_017654.4(SAMD9):c.4700T>A (p.Ile1567Lys)

Gene: SAMD9 (sterile alpha motif domain containing 9; minus strand). Cytogenetic location: 7q21.2.
Variant type: single nucleotide variant.
Coding change: c.4700T>A on transcript NM_017654.4 (MANE Select); coding-DNA position 4700, T replaced by A.
Protein change: p.Ile1567Lys; replaces isoleucine 1567 with lysine.
Molecular consequence: missense variant.
Genome position (GRCh38, 1-based): chr7:93,101,398, A>T on the plus strand (T>A on the coding strand, the complement: SAMD9 is on the minus strand). VCF-style: chr7-93101398-A-T. GRCh37 (hg19) VCF-style: chr7-92730711-A-T.
Other names: c.4700T>A, p.Ile1567Lys (NM_001193307.2); short protein forms I1567K.
Identifiers: ClinVar variation 4843138 (VCV004843138.1).

ClinVar aggregate classification (germline): Uncertain significance (1 of 4 stars; one submission).

Conditions:
Inborn genetic diseases. Identifiers: MedGen C0950123, MeSH D030342.

Submission:

Ambry Genetics
Classification: Uncertain significance for Inborn genetic diseases. Last evaluated: 2026-01-10. Review status: criteria provided, single submitter. Criteria: Ambry Variant Classification Scheme 2023. Collection method: clinical testing. Allele origin: germline.
Comment: The p.I1567K variant (also known as c.4700T>A), located in coding exon 1 of the SAMD9 gene, results from a T to A substitution at nucleotide position 4700. The isoleucine at codon 1567 is replaced by lysine, an amino acid with dissimilar properties. This amino acid position is conserved. In addition, this alteration is predicted to be tolerated by in silico analysis. Based on the available evidence, the clinical significance of this variant remains unclear.